The following is an entry in ClinVar:

NM_206926.2(SELENON):c.1589C>T (p.Thr530Ile)

Gene: SELENON (selenoprotein N; plus strand). Cytogenetic location: 1p36.11.
Variant type: single nucleotide variant.
Coding change: c.1589C>T on transcript NM_206926.2 (MANE Select); coding-DNA position 1589, C replaced by T.
Protein change: p.Thr530Ile; replaces threonine 530 with isoleucine.
Molecular consequence: missense variant.
Genome position (GRCh38, 1-based): chr1:25,815,636, C>T. VCF-style: chr1-25815636-C-T. GRCh37 (hg19) VCF-style: chr1-26142127-C-T.
Other names: c.1691C>T, p.Thr564Ile (NM_020451.3); c.1691C>T (NM_020451.2); short protein forms T530I, T564I.
Identifiers: ClinVar variation 2164073 (VCV002164073.5), dbSNP rs1418349436, ClinGen allele CA339121383.
Genomic context (GRCh38, chr1:25,815,636, plus strand): 5'-TGGACATCACCTCCGTGAAGCCCGAGGAAATCGAGAGCAATCTCTTCAGCTTCTCATCCA[C>T]CTTTGAAGACCCGTCCACGGCCACCTACATGCAGTTCCTGAAGGAGGGACTCCGGCGTGG-3'
Protein context (NP_996809.1, residues 520-540): IESNLFSFSS[Thr530Ile]FEDPSTATYM

ClinVar aggregate classification (germline): Uncertain significance. Review status: criteria provided, multiple submitters, no conflicts (2 of 4 stars). 2 submissions from 2 submitters: Uncertain significance (2). Last evaluated 2025-09-11.

Conditions:
Eichsfeld type congenital muscular dystrophy (CMYO3). Also called: SELENON-related myopathy; Congenital myopathy 3 with rigid spine; Rigid spine muscular dystrophy 1; MYOPATHY, SEPN1-RELATED. Identifiers: MedGen C0410180, MONDO:0100100, OMIM 602771.
Inborn genetic diseases. Identifiers: MedGen C0950123, MeSH D030342.

Allele frequency attached by ClinVar (database versions not stated): gnomAD exomes below 0.00001.
gnomAD v4.1: 8 of 1,614,080 alleles (0.0005%); highest among the groups gnomAD compares: Admixed American, 0.0033%; no homozygotes.

Submissions (2):

Ambry Genetics
Classification: Uncertain significance for Inborn genetic diseases. Last evaluated: 2025-09-11. Review status: criteria provided, single submitter. Criteria: Ambry Variant Classification Scheme 2023. Collection method: clinical testing. Allele origin: germline.

Labcorp Genetics (formerly Invitae), Labcorp
Classification: Uncertain significance for Eichsfeld type congenital muscular dystrophy. Last evaluated: 2022-10-17. Review status: criteria provided, single submitter. Criteria: Invitae Variant Classification Sherloc (09022015). Collection method: clinical testing. Allele origin: germline.
Comment: In summary, the available evidence is currently insufficient to determine the role of this variant in disease. Therefore, it has been classified as a Variant of Uncertain Significance. Advanced modeling of protein sequence and biophysical properties (such as structural, functional, and spatial information, amino acid conservation, physicochemical variation, residue mobility, and thermodynamic stability) has been performed at Invitae for this missense variant, however the output from this modeling did not meet the statistical confidence thresholds required to predict the impact of this variant on SELENON protein function. This variant has not been reported in the literature in individuals affected with SELENON-related conditions. This variant is present in population databases (no rsID available, gnomAD 0.003%). This sequence change replaces threonine, which is neutral and polar, with isoleucine, which is neutral and non-polar, at codon 564 of the SELENON protein (p.Thr564Ile).